The following is an entry in ClinVar:

NM_016239.4(MYO15A):c.8750T>A (p.Val2917Glu)

Gene: MYO15A (myosin XVA; plus strand). Cytogenetic location: 17p11.2.
Variant type: single nucleotide variant.
Coding change: c.8750T>A on transcript NM_016239.4 (MANE Select); coding-DNA position 8750, T replaced by A.
Protein change: p.Val2917Glu; replaces valine 2917 with glutamic acid.
Molecular consequence: missense variant.
Genome position (GRCh38, 1-based): chr17:18,157,192, T>A. VCF-style: chr17-18157192-T-A. GRCh37 (hg19) VCF-style: chr17-18060506-T-A.
Other names: short protein forms V2917E.
Identifiers: ClinVar variation 1803542 (VCV001803542.1), dbSNP rs1395158442, ClinGen allele CA398629886.

ClinVar aggregate classification (germline): Uncertain significance (1 of 4 stars; one submission).

Submission:

GeneDx
Classification: Uncertain significance. Last evaluated: 2022-06-10. Review status: criteria provided, single submitter. Criteria: GeneDx Variant Classification Process June 2021. Collection method: clinical testing. Allele origin: germline. Affected: yes.
Comment: Not observed at significant frequency in large population cohorts (gnomAD); In silico analysis supports that this missense variant does not alter protein structure/function; Has not been previously published as pathogenic or benign to our knowledge